The following is an entry in ClinVar:

NM_002476.2(MYL4):c.234C>A (p.Cys78Ter)

Gene: MYL4 (myosin light chain 4; plus strand). Cytogenetic location: 17q21.32.
Variant type: single nucleotide variant.
Coding change: c.234C>A on transcript NM_002476.2 (MANE Select); coding-DNA position 234, C replaced by A.
Protein change: p.Cys78Ter; replaces cysteine 78 with a stop codon.
Molecular consequence: nonsense.
Genome position (GRCh38, 1-based): chr17:47,219,974, C>A. VCF-style: chr17-47219974-C-A. GRCh37 (hg19) VCF-style: chr17-45297340-C-A.
Other names: c.234C>A, p.Cys78Ter (NM_001002841.2); short protein forms C78*.
Identifiers: ClinVar variation 3366361 (VCV003366361.1).

ClinVar aggregate classification (germline): Likely pathogenic (1 of 4 stars; one submission).

Conditions:
Atrial fibrillation, familial, 18 (ATFB18). Identifiers: MedGen C4310636, MONDO:0015001, OMIM 617280.

Submission:

Women's Health and Genetics/Laboratory Corporation of America, LabCorp
Classification: Likely pathogenic for Atrial fibrillation, familial, 18. Last evaluated: 2024-08-09. Review status: criteria provided, single submitter. Criteria: LabCorp Variant Classification Summary - May 2015. Collection method: clinical testing. Allele origin: germline.
Comment: Variant summary: MYL4 c.234C>A (p.Cys78X) results in a premature termination codon, predicted to cause a truncation of the encoded protein or absence of the protein due to nonsense mediated decay, which are commonly known mechanisms for disease. The variant was absent in 251302 control chromosomes. To our knowledge, no occurrence of c.234C>A in individuals affected with Atrial Fibrillation, Familial, 18 and no experimental evidence demonstrating its impact on protein function have been reported. No submitters have cited clinical-significance assessments for this variant to ClinVar. Based on the evidence outlined above, the variant was classified as likely pathogenic.